The following is an entry in ClinVar:

ClinVar aggregate classification (germline): Likely benign (1 of 4 stars; one submission).

Submission:

CeGaT Center for Human Genetics Tuebingen
Classification: Likely benign. Last evaluated: 2025-03-01. Review status: criteria provided, single submitter. Criteria: CeGaT Center For Human Genetics Tuebingen Variant Classification Criteria Version 2. Collection method: clinical testing. Allele origin: germline. Affected: yes. Observed: 1 variant allele.
Comment: RAF1: PM2:Supporting, BP4, BP7

NM_002880.4(RAF1):c.1572A>C (p.Pro524=)

Gene: RAF1 (Raf-1 proto-oncogene, serine/threonine kinase; minus strand). Cytogenetic location: 3p25.2.
Variant type: single nucleotide variant.
Coding change: c.1572A>C on transcript NM_002880.4 (MANE Select); coding-DNA position 1572, A replaced by C.
Protein change: p.Pro524=; no amino-acid change (proline 524 retained).
Molecular consequence: synonymous variant. On other transcripts: non-coding transcript variant (3).
Genome position (GRCh38, 1-based): chr3:12,585,218, T>G on the plus strand (A>C on the coding strand, the complement: RAF1 is on the minus strand). VCF-style: chr3-12585218-T-G. GRCh37 (hg19) VCF-style: chr3-12626717-T-G.
Other names: c.1632A>C, p.Pro544= (NM_001354689.3); c.1572A>C, p.Pro524= (NM_001354690.3); c.1329A>C, p.Pro443= (NM_001354691.3, NM_001354692.3); c.1473A>C, p.Pro491= (NM_001354693.3); c.1389A>C, p.Pro463= (NM_001354694.3); c.1230A>C, p.Pro410= (NM_001354695.3).
Identifiers: ClinVar variation 3778544 (VCV003778544.7).
Genomic context (GRCh38, chr3:12,585,218, plus strand): 5'-CCCCGTCATCAGTTCATACAATACGATGCCATAGGAGTAGACATCCGACTGGAAACTGAA[T>G]GGGTTGTTATCCTGCATTCGGATCACCTCTGGGGCCTACATGTATCACCATATGACAAAA-3'
Protein context (NP_002871.1, residues 514-534): PEVIRMQDNN[Pro524=]FSFQSDVYSY